The following is an entry in ClinVar:

NM_006949.4(STXBP2):c.170-2A>G

Gene: STXBP2 (syntaxin binding protein 2; plus strand). Cytogenetic location: 19p13.2.
Variant type: single nucleotide variant.
Coding change: c.170-2A>G on transcript NM_006949.4 (MANE Select); the canonical splice acceptor site of the intron before coding-DNA position 170, A replaced by G.
Molecular consequence: splice acceptor variant.
Genome position (GRCh38, 1-based): chr19:7,639,729, A>G. VCF-style: chr19-7639729-A-G. GRCh37 (hg19) VCF-style: chr19-7704615-A-G.
Other names: c.74-2A>G (NM_001414484.1); c.170-2A>G (NM_001272034.2, NM_001127396.3).
Identifiers: ClinVar variation 2649169 (VCV002649169.24), dbSNP rs1447947700, ClinGen allele CA403155474.

ClinVar aggregate classification (germline): Uncertain significance (1 of 4 stars; one submission).

Allele frequency attached by ClinVar (database versions not stated): TOPMed below 0.00001; gnomAD 0.00001.
gnomAD v4.1: 1 of 1,612,662 alleles (0.000062%); highest among the groups gnomAD compares: Non-Finnish European, 0.000085%; no homozygotes.

Submission:

CeGaT Center for Human Genetics Tuebingen
Classification: Uncertain significance. Last evaluated: 2022-07-01. Review status: criteria provided, single submitter. Criteria: CeGaT Center For Human Genetics Tuebingen Variant Classification Criteria Version 2. Collection method: clinical testing. Allele origin: germline. Affected: yes. Observed: 1 variant allele.
Comment: STXBP2: PM2, PVS1:Moderate